The following is an entry in ClinVar:

NM_001017995.3(SH3PXD2B):c.2278C>T (p.Arg760Cys)

Gene: SH3PXD2B (SH3 and PX domains 2B; minus strand). Cytogenetic location: 5q35.1.
Variant type: single nucleotide variant.
Coding change: c.2278C>T on transcript NM_001017995.3 (MANE Select); coding-DNA position 2278, C replaced by T.
Protein change: p.Arg760Cys; replaces arginine 760 with cysteine.
Molecular consequence: missense variant. On other transcripts: intron variant (1).
Genome position (GRCh38, 1-based): chr5:172,338,827, G>A on the plus strand (C>T on the coding strand, the complement: SH3PXD2B is on the minus strand). VCF-style: chr5-172338827-G-A. GRCh37 (hg19) VCF-style: chr5-171765831-G-A.
Other names: c.1188+7309C>T (NM_001308175.2); short protein forms R760C.
Identifiers: ClinVar variation 1023766 (VCV001023766.6), dbSNP rs199590644, ClinGen allele CA3561004.

ClinVar aggregate classification (germline): Uncertain significance (1 of 4 stars; one submission).

Allele frequency attached by ClinVar (database versions not stated): gnomAD 0.00001; TOPMed 0.00002; gnomAD exomes 0.00003 and 0.00007; ExAC 0.00010.
gnomAD v4.1: 48 of 1,613,970 alleles (0.003%); highest among the groups gnomAD compares: East Asian, 0.025%; no homozygotes.

Submission:

Labcorp Genetics (formerly Invitae), Labcorp
Classification: Uncertain significance. Last evaluated: 2022-08-08. Review status: criteria provided, single submitter. Criteria: Invitae Variant Classification Sherloc (09022015). Collection method: clinical testing. Allele origin: germline.
Comment: In summary, the available evidence is currently insufficient to determine the role of this variant in disease. Therefore, it has been classified as a Variant of Uncertain Significance. Algorithms developed to predict the effect of missense changes on protein structure and function (SIFT, PolyPhen-2, Align-GVGD) all suggest that this variant is likely to be disruptive. ClinVar contains an entry for this variant (Variation ID: 1023766). This variant has not been reported in the literature in individuals affected with SH3PXD2B-related conditions. This variant is present in population databases (rs199590644, gnomAD 0.04%). This sequence change replaces arginine, which is basic and polar, with cysteine, which is neutral and slightly polar, at codon 760 of the SH3PXD2B protein (p.Arg760Cys).